The following is an entry in ClinVar:

NM_000384.3(APOB):c.32T>C (p.Leu11Pro)

Genes: APOB (apolipoprotein B; minus strand), LOC106560211 (APOB 5' regulatory region; plus strand). Cytogenetic location: 2p24.1.
Variant type: single nucleotide variant.
Coding change: c.32T>C on transcript NM_000384.3 (MANE Select); coding-DNA position 32, T replaced by C.
Protein change: p.Leu11Pro; replaces leucine 11 with proline.
Molecular consequence: missense variant.
Genome position (GRCh38, 1-based): chr2:21,043,914, A>G on the plus strand (T>C on the coding strand, the complement: APOB is on the minus strand). VCF-style: chr2-21043914-A-G. GRCh37 (hg19) VCF-style: chr2-21266786-A-G.
Other names: short protein forms L11P.
Identifiers: ClinVar variation 3231399 (VCV003231399.3), dbSNP rs2465464174, ClinGen allele CA345966288.
Genomic context (GRCh38, chr2:21,043,914, plus strand): 5'-GCGCACTCACCGGCCCTGGCGCCCGCCAGCAGCAGCAGCAGCAGCGCAGGCAGCGCCAGC[A>G]GCGCCAGCAGCGCGGGCCTCGGCGGGTCCATCGCCAGCTGCGGTGGGGCGGCTCCTGGGC-3'
Protein context (NP_000375.3, residues 1-21): MDPPRPALLA[Leu11Pro]LALPALLLLL

ClinVar aggregate classification (germline): Uncertain significance. Review status: criteria provided, multiple submitters, no conflicts (2 of 4 stars). 3 submissions from 3 submitters: Uncertain significance (3). Last evaluated 2025-05-30.

Conditions:
Cardiovascular phenotype. Identifiers: MedGen CN230736.
Hypercholesterolemia, autosomal dominant, type B (FHCL2). Also called: Familial Hypercholesterolemia Type B; APOLIPOPROTEIN B-100, FAMILIAL DEFECTIVE; APOLIPOPROTEIN B-100, FAMILIAL LIGAND-DEFECTIVE; HYPERCHOLESTEROLEMIA, FAMILIAL, DUE TO LIGAND-DEFECTIVE APOLIPOPROTEIN B; Familial hypercholesterolemia 2; APOB-Related Familial Hypercholesterolemia, Autosomal Dominant. Identifiers: MedGen C1704417, MONDO:0007751, OMIM 144010.
Familial hypobetalipoproteinemia 1. Also called: APOB-Related Familial Hypobetalipoproteinemia; Hypobetalipoproteinemia, normotriglyceridemic; Acanthocytosis with hypobetalipoproteinemia. Identifiers: MedGen C4551990, MONDO:0014252, OMIM 615558.

Allele frequency attached by ClinVar (database versions not stated): gnomAD exomes below 0.00001.
gnomAD v4.1: 2 of 1,410,942 alleles (0.00014%); highest among the groups gnomAD compares: Middle Eastern, 0.025%; no homozygotes.

Submissions (3):

GeneDx
Classification: Uncertain significance. Last evaluated: 2025-05-30. Review status: criteria provided, single submitter. Criteria: GeneDx Variant Classification Process June 2021. Collection method: clinical testing. Allele origin: germline. Affected: yes.
Comment: Not observed at significant frequency in large population cohorts (gnomAD); In silico analysis suggests that this missense variant does not alter protein structure/function; Has not been previously published as pathogenic or benign to our knowledge

Labcorp Genetics (formerly Invitae), Labcorp
Classification: Uncertain significance for Familial hypobetalipoproteinemia 1; Hypercholesterolemia, autosomal dominant, type B. Last evaluated: 2025-04-23. Review status: criteria provided, single submitter. Criteria: Invitae Variant Classification Sherloc (09022015). Collection method: clinical testing. Allele origin: germline.
Comment: This sequence change replaces leucine, which is neutral and non-polar, with proline, which is neutral and non-polar, at codon 11 of the APOB protein (p.Leu11Pro). This variant is not present in population databases (gnomAD no frequency). This variant has not been reported in the literature in individuals affected with APOB-related conditions. ClinVar contains an entry for this variant (Variation ID: 3231399). Invitae Evidence Modeling of protein sequence and biophysical properties (such as structural, functional, and spatial information, amino acid conservation, physicochemical variation, residue mobility, and thermodynamic stability) indicates that this missense variant is not expected to disrupt APOB protein function with a negative predictive value of 95%. In summary, the available evidence is currently insufficient to determine the role of this variant in disease. Therefore, it has been classified as a Variant of Uncertain Significance.

Ambry Genetics
Classification: Uncertain significance for Cardiovascular phenotype. Last evaluated: 2023-10-19. Review status: criteria provided, single submitter. Criteria: Ambry Variant Classification Scheme 2023. Collection method: clinical testing. Allele origin: germline.
Comment: The p.L11P variant (also known as c.32T>C), located in coding exon 1 of the APOB gene, results from a T to C substitution at nucleotide position 32. The leucine at codon 11 is replaced by proline, an amino acid with similar properties. This amino acid position is conserved. In addition, this alteration is predicted to be tolerated by in silico analysis. Since supporting evidence is limited at this time, the clinical significance of this alteration remains unclear.